The following is an entry in ClinVar:

ClinVar aggregate classification (germline): Uncertain significance. Review status: criteria provided, multiple submitters, no conflicts (2 of 4 stars). 2 submissions from 2 submitters: Uncertain significance (2). Last evaluated 2025-03-06.

Conditions:
NTRK2-related disorder. Also called: NTRK2-related condition.

Allele frequency attached by ClinVar (database versions not stated): gnomAD exomes below 0.00001.

Submissions (2):

PreventionGenetics, part of Exact Sciences
Classification: Uncertain significance for NTRK2-related condition. Last evaluated: 2025-03-06. Review status: criteria provided, single submitter. Criteria: ACMG Guidelines, 2015. Collection method: clinical testing. Allele origin: germline.
Comment: The NTRK2 c.2479G>A variant is predicted to result in the amino acid substitution p.Ala827Thr. To our knowledge, this variant has not been reported in the literature or in a large population database (gnomAD), indicating this variant is rare. At this time, the clinical significance of this variant is uncertain due to the absence of conclusive functional and genetic evidence.

Labcorp Genetics (formerly Invitae), Labcorp
Classification: Uncertain significance. Last evaluated: 2022-01-14. Review status: criteria provided, single submitter. Criteria: Invitae Variant Classification Sherloc (09022015). Collection method: clinical testing. Allele origin: germline.
Comment: Advanced modeling of protein sequence and biophysical properties (such as structural, functional, and spatial information, amino acid conservation, physicochemical variation, residue mobility, and thermodynamic stability) performed at Invitae indicates that this missense variant is not expected to disrupt NTRK2 protein function. In summary, the available evidence is currently insufficient to determine the role of this variant in disease. Therefore, it has been classified as a Variant of Uncertain Significance. This variant has not been reported in the literature in individuals affected with NTRK2-related conditions. This variant is not present in population databases (gnomAD no frequency). This sequence change replaces alanine, which is neutral and non-polar, with threonine, which is neutral and polar, at codon 827 of the NTRK2 protein (p.Ala827Thr).

NM_006180.6(NTRK2):c.2479G>A (p.Ala827Thr)

Gene: NTRK2 (neurotrophic receptor tyrosine kinase 2; plus strand). Cytogenetic location: 9q21.33.
Variant type: single nucleotide variant.
Coding change: c.2479G>A on transcript NM_006180.6 (MANE Select); coding-DNA position 2479, G replaced by A.
Protein change: p.Ala827Thr; replaces alanine 827 with threonine.
Molecular consequence: missense variant.
Genome position (GRCh38, 1-based): chr9:85,021,399, G>A. VCF-style: chr9-85021399-G-A. GRCh37 (hg19) VCF-style: chr9-87636314-G-A.
Other names: c.2431G>A, p.Ala811Thr (NM_001018064.3, NM_001369532.1, NM_001369533.1); c.2395G>A, p.Ala799Thr (NM_001369534.1); c.1963G>A, p.Ala655Thr (NM_001369535.1); c.2011G>A, p.Ala671Thr (NM_001369536.1); c.2479G>A (NM_006180.4); short protein forms A827T, A655T, A799T, A671T, A811T.
Identifiers: ClinVar variation 1393183 (VCV001393183.9), dbSNP rs2118017541, ClinGen allele CA374009513.
Genomic context (GRCh38, chr9:85,021,399, plus strand): 5'-CAGCGAGAGCCCCACATGAGGAAGAACATCAAGGGCATCCATACCCTCCTTCAGAACTTG[G>A]CCAAGGCATCTCCGGTCTACCTGGACATTCTAGGCTAGGGCCCTTTTCCCCAGACCGATC-3'
Protein context (NP_006171.2, residues 817-837): KGIHTLLQNL[Ala827Thr]KASPVYLDIL